The following is an entry in ClinVar:

ClinVar aggregate classification (germline): Uncertain significance (1 of 4 stars; one submission).

Submission:

Labcorp Genetics (formerly Invitae), Labcorp
Classification: Uncertain significance. Last evaluated: 2025-02-13. Review status: criteria provided, single submitter. Criteria: Invitae Variant Classification Sherloc (09022015). Collection method: clinical testing. Allele origin: germline.
Comment: This sequence change replaces serine, which is neutral and polar, with tyrosine, which is neutral and polar, at codon 27 of the SUCLG2 protein (p.Ser27Tyr). This variant is not present in population databases (gnomAD no frequency). This variant has not been reported in the literature in individuals affected with SUCLG2-related conditions. An algorithm developed to predict the effect of missense changes on protein structure and function (PolyPhen-2) suggests that this variant is likely to be disruptive. In summary, the available evidence is currently insufficient to determine the role of this variant in disease. Therefore, it has been classified as a Variant of Uncertain Significance.

NM_003848.4(SUCLG2):c.80C>A (p.Ser27Tyr)

Gene: SUCLG2 (succinate-CoA ligase GDP-forming subunit beta; minus strand). Cytogenetic location: 3p14.1.
Variant type: single nucleotide variant.
Coding change: c.80C>A on transcript NM_003848.4 (MANE Select); coding-DNA position 80, C replaced by A.
Protein change: p.Ser27Tyr; replaces serine 27 with tyrosine.
Molecular consequence: missense variant.
Genome position (GRCh38, 1-based): chr3:67,654,507, G>T on the plus strand (C>A on the coding strand, the complement: SUCLG2 is on the minus strand). VCF-style: chr3-67654507-G-T. GRCh37 (hg19) VCF-style: chr3-67704931-G-T.
Other names: c.80C>A, p.Ser27Tyr (NM_001177599.2); short protein forms S27Y.
Identifiers: ClinVar variation 4810554 (VCV004810554.1).
Genomic context (GRCh38, chr3:67,654,507, plus strand): 5'-AGCCCGGGCAGGCCGGCGCCGCTGCTGGCGCCCGCAGCTCCTGCCCCCACGCTCACCTGG[G>T]ACCCGGCCGCCAGGAAGCGGGGCCGCAGCGCTAGGGCTCGCAGAAGCTTCCCGGCCTGCG-3'
Protein context (NP_003839.2, residues 17-37): ALRPRFLAAG[Ser27Tyr]QAVQLTSRRW